The following is an entry in ClinVar:

NM_182914.3(SYNE2):c.7718C>G (p.Ser2573Cys)

Gene: SYNE2 (spectrin repeat containing nuclear envelope protein 2; plus strand). Cytogenetic location: 14q23.2.
Variant type: single nucleotide variant.
Coding change: c.7718C>G on transcript NM_182914.3 (MANE Select); coding-DNA position 7718, C replaced by G.
Protein change: p.Ser2573Cys; replaces serine 2573 with cysteine.
Molecular consequence: missense variant.
Genome position (GRCh38, 1-based): chr14:64,051,631, C>G. VCF-style: chr14-64051631-C-G. GRCh37 (hg19) VCF-style: chr14-64518349-C-G.
Other names: c.7718C>G, p.Ser2573Cys (NM_015180.6); short protein forms S2573C.
Identifiers: ClinVar variation 1508311 (VCV001508311.6), dbSNP rs2097227855, ClinGen allele CA389960933.

ClinVar aggregate classification (germline): Uncertain significance (1 of 4 stars; one submission).

Conditions:
Emery-Dreifuss muscular dystrophy 5, autosomal dominant (EDMD5). Also called: EMERY-DREIFUSS MUSCULAR DYSTROPHY 5. Identifiers: Orphanet 261, MedGen C2751805, MONDO:0013072, OMIM 612999.

gnomAD v4.1: 2 of 1,613,976 alleles (0.00012%); highest among the groups gnomAD compares: Non-Finnish European, 0.00017%; no homozygotes.

Submission:

Labcorp Genetics (formerly Invitae), Labcorp
Classification: Uncertain significance for Emery-Dreifuss muscular dystrophy 5, autosomal dominant. Last evaluated: 2025-02-10. Review status: criteria provided, single submitter. Criteria: Invitae Variant Classification Sherloc (09022015). Collection method: clinical testing. Allele origin: germline.
Comment: This sequence change replaces serine, which is neutral and polar, with cysteine, which is neutral and slightly polar, at codon 2573 of the SYNE2 protein (p.Ser2573Cys). This variant is not present in population databases (gnomAD no frequency). This variant has not been reported in the literature in individuals affected with SYNE2-related conditions. ClinVar contains an entry for this variant (Variation ID: 1508311). An algorithm developed to predict the effect of missense changes on protein structure and function outputs the following: PolyPhen-2: "Benign". The cysteine amino acid residue is found in multiple mammalian species, which suggests that this missense change does not adversely affect protein function. In summary, the available evidence is currently insufficient to determine the role of this variant in disease. Therefore, it has been classified as a Variant of Uncertain Significance.